The following is an entry in ClinVar:

NM_004415.4(DSP):c.5609A>G (p.Gln1870Arg)

Gene: DSP (desmoplakin; plus strand). Cytogenetic location: 6p24.3.
Variant type: single nucleotide variant.
Coding change: c.5609A>G on transcript NM_004415.4 (MANE Select); coding-DNA position 5609, A replaced by G.
Protein change: p.Gln1870Arg; replaces glutamine 1870 with arginine.
Molecular consequence: missense variant.
Genome position (GRCh38, 1-based): chr6:7,582,871, A>G. VCF-style: chr6-7582871-A-G. GRCh37 (hg19) VCF-style: chr6-7583104-A-G.
Other names: c.3812A>G, p.Gln1271Arg (NM_001008844.3); c.4280A>G, p.Gln1427Arg (NM_001319034.2); short protein forms Q1271R, Q1427R, Q1870R.
Identifiers: ClinVar variation 2164635 (VCV002164635.5), dbSNP rs769248361, ClinGen allele CA045335.

ClinVar aggregate classification (germline): Uncertain significance. Review status: criteria provided, multiple submitters, no conflicts (2 of 4 stars). 2 submissions from 2 submitters: Uncertain significance (2). Last evaluated 2024-08-17.

Conditions:
Arrhythmogenic cardiomyopathy with wooly hair and keratoderma. Also called: PALMOPLANTAR KERATODERMA WITH LEFT VENTRICULAR CARDIOMYOPATHY AND WOOLLY HAIR; Dilated cardiomyopathy with woolly hair and keratoderma; Carvajal syndrome; Arrhythmogenic cardiomyopathy with woolly hair and keratoderma. Identifiers: Orphanet 65282, MedGen C1854063, MONDO:0011581, OMIM 605676.
Arrhythmogenic right ventricular dysplasia 8 (ARVD8). Also called: ARRHYTHMOGENIC RIGHT VENTRICULAR CARDIOMYOPATHY 8; ARRHYTHMOGENIC RIGHT VENTRICULAR DYSPLASIA, FAMILIAL, 8; Arrhythmogenic Right Ventricular Dysplasia/Cardiomyopathy 8. Identifiers: MedGen C1843896, MONDO:0011831, OMIM 607450.

Allele frequency attached by ClinVar (database versions not stated): ExAC 0.00001; gnomAD exomes 0.00001.
gnomAD v4.1: 9 of 1,614,190 alleles (0.00056%); highest among the groups gnomAD compares: Non-Finnish European, 0.00076%; no homozygotes.

Submissions (2):

Labcorp Genetics (formerly Invitae), Labcorp
Classification: Uncertain significance for Arrhythmogenic cardiomyopathy with wooly hair and keratoderma; Arrhythmogenic right ventricular dysplasia 8. Last evaluated: 2024-08-17. Review status: criteria provided, single submitter. Criteria: Invitae Variant Classification Sherloc (09022015). Collection method: clinical testing. Allele origin: germline.
Comment: This sequence change replaces glutamine, which is neutral and polar, with arginine, which is basic and polar, at codon 1870 of the DSP protein (p.Gln1870Arg). This variant is present in population databases (rs769248361, gnomAD 0.0009%). This variant has not been reported in the literature in individuals affected with DSP-related conditions. ClinVar contains an entry for this variant (Variation ID: 2164635). An algorithm developed to predict the effect of missense changes on protein structure and function (PolyPhen-2) suggests that this variant is likely to be disruptive. In summary, the available evidence is currently insufficient to determine the role of this variant in disease. Therefore, it has been classified as a Variant of Uncertain Significance.

All of Us Research Program, National Institutes of Health
Classification: Uncertain significance for Arrhythmogenic cardiomyopathy with wooly hair and keratoderma. Last evaluated: 2023-06-08. Review status: criteria provided, single submitter. Criteria: ACMG Guidelines, 2015. Collection method: clinical testing. Allele origin: germline. Inheritance: Autosomal dominant inheritance. Observed: 2 variant alleles, 2 heterozygotes.
Comment: This missense variant replaces glutamine with arginine at codon 1870 of the DSP protein. Computational prediction suggests that this variant may not impact protein structure and function (internally defined REVEL score threshold <= 0.5, PMID: 27666373). To our knowledge, functional studies have not been reported for this variant. This variant has not been reported in individuals affected with DSP-related disorders in the literature. This variant has been identified in 1/251456 chromosomes in the general population by the Genome Aggregation Database (gnomAD). The available evidence is insufficient to determine the role of this variant in disease conclusively. Therefore, this variant is classified as a Variant of Uncertain Significance.

This study involves interpretation of variants in research participants for the purpose of population health screening. Participant phenotype was not available at the time of variant classification. Additional details can be found in publication PMID: 35346344, PMCID: PMC8962531